The following is an entry in ClinVar:

NM_000426.4(LAMA2):c.292C>G (p.Pro98Ala)

Gene: LAMA2 (laminin subunit alpha 2; plus strand). Cytogenetic location: 6q22.33.
Variant type: single nucleotide variant.
Coding change: c.292C>G on transcript NM_000426.4 (MANE Select); coding-DNA position 292, C replaced by G.
Protein change: p.Pro98Ala; replaces proline 98 with alanine.
Molecular consequence: missense variant.
Genome position (GRCh38, 1-based): chr6:129,059,792, C>G. VCF-style: chr6-129059792-C-G. GRCh37 (hg19) VCF-style: chr6-129380937-C-G.
Other names: c.292C>G, p.Pro98Ala (NM_001079823.2); short protein forms P98A.
Identifiers: ClinVar variation 1915550 (VCV001915550.2), dbSNP rs140199131, ClinGen allele CA3992285.
Genomic context (GRCh38, chr6:129,059,792, plus strand): 5'-TAGTTATATGATCTTTTCTTCTTCCTTTCATATGATGCTGCTAACTCAATAGAGAGACAC[C>G]CGATTACAAATGCTATTGATGGAAAGAACACTTGGTGGCAGAGTCCCAGTATTAAGAATG-3'
Protein context (NP_000417.3, residues 88-108): QNSSNPNQRH[Pro98Ala]ITNAIDGKNT

ClinVar aggregate classification (germline): Uncertain significance (1 of 4 stars; one submission).

Conditions:
LAMA2-related muscular dystrophy (LAMA2-RD). Also called: Laminin alpha 2-related dystrophy. Identifiers: MedGen C5679788, MONDO:0100228.

Allele frequency attached by ClinVar (database versions not stated): ExAC 0.00002; gnomAD 0.00005; TOPMed 0.00005; ESP Exome Variant Server 0.00008.
gnomAD v4.1: 12 of 1,594,598 alleles (0.00075%); highest among the groups gnomAD compares: African/African-American, 0.012%; no homozygotes.

Submission:

Labcorp Genetics (formerly Invitae), Labcorp
Classification: Uncertain significance for LAMA2-related muscular dystrophy. Last evaluated: 2022-08-07. Review status: criteria provided, single submitter. Criteria: Invitae Variant Classification Sherloc (09022015). Collection method: clinical testing. Allele origin: germline.
Comment: This sequence change replaces proline, which is neutral and non-polar, with alanine, which is neutral and non-polar, at codon 98 of the LAMA2 protein (p.Pro98Ala). This variant is present in population databases (rs140199131, gnomAD 0.006%). This variant has not been reported in the literature in individuals affected with LAMA2-related conditions. Algorithms developed to predict the effect of missense changes on protein structure and function are either unavailable or do not agree on the potential impact of this missense change (SIFT: "Tolerated"; PolyPhen-2: "Probably Damaging"; Align-GVGD: "Class C0"). In summary, the available evidence is currently insufficient to determine the role of this variant in disease. Therefore, it has been classified as a Variant of Uncertain Significance.